The following is an entry in ClinVar:

NM_001608.4(ACADL):c.651G>A (p.Ala217=)

Gene: ACADL (acyl-CoA dehydrogenase long chain; minus strand). Cytogenetic location: 2q34.
Variant type: single nucleotide variant.
Coding change: c.651G>A on transcript NM_001608.4 (MANE Select); coding-DNA position 651, G replaced by A.
Protein change: p.Ala217=; no amino-acid change (alanine 217 retained).
Molecular consequence: synonymous variant.
Genome position (GRCh38, 1-based): chr2:210,205,749, C>T on the plus strand (G>A on the coding strand, the complement: ACADL is on the minus strand). VCF-style: chr2-210205749-C-T. GRCh37 (hg19) VCF-style: chr2-211070473-C-T.
Identifiers: ClinVar variation 2571115 (VCV002571115.29), dbSNP rs76781609, ClinGen allele CA2084950.

ClinVar aggregate classification (germline): Likely benign. Review status: criteria provided, multiple submitters, no conflicts (2 of 4 stars). 3 submissions from 3 submitters: Likely benign (2). 1 of the submissions does not count toward it. Last evaluated 2024-10-01.

Conditions:
ACADL-related disorder. Also called: ACADL-related condition.

Allele frequency attached by ClinVar (database versions not stated): gnomAD exomes 0.00083; ESP Exome Variant Server 0.00092; TOPMed 0.00096; 1000 Genomes Project 0.00140; 1000 Genomes Project 30x 0.00172; ExAC 0.00073; gnomAD 0.00074 and 0.00076.

Submissions (3):

Blueprint Genetics
Classification: Likely benign. Last evaluated: 2024-10-01. Review status: criteria provided, single submitter. Criteria: ACMG Guidelines, 2015. Collection method: clinical testing. Allele origin: germline.

CeGaT Center for Human Genetics Tuebingen
Classification: Likely benign. Last evaluated: 2023-07-01. Review status: criteria provided, single submitter. Criteria: CeGaT Center For Human Genetics Tuebingen Variant Classification Criteria Version 2. Collection method: clinical testing. Allele origin: germline. Affected: yes. Observed: 2 variant alleles.
Comment: ACADL: BP4, BP7

PreventionGenetics, part of Exact Sciences
Classification: Likely benign for ACADL-related condition. Last evaluated: 2019-02-27. Review status: no assertion criteria provided. Collection method: clinical testing. Allele origin: germline. Not counted in ClinVar's aggregate classification.
Comment: This variant is classified as likely benign based on ACMG/AMP sequence variant interpretation guidelines (Richards et al. 2015 PMID: 25741868, with internal and published modifications).